The following is an entry in ClinVar:

NM_144701.3(IL23R):c.1382G>A (p.Arg461Lys)

Gene: IL23R (interleukin 23 receptor; plus strand). Cytogenetic location: 1p31.3.
Variant type: single nucleotide variant.
Coding change: c.1382G>A on transcript NM_144701.3 (MANE Select); coding-DNA position 1382, G replaced by A.
Protein change: p.Arg461Lys; replaces arginine 461 with lysine.
Molecular consequence: missense variant.
Genome position (GRCh38, 1-based): chr1:67,258,620, G>A. VCF-style: chr1-67258620-G-A. GRCh37 (hg19) VCF-style: chr1-67724303-G-A.
Other names: short protein forms R461K.
Identifiers: ClinVar variation 2830168 (VCV002830168.3), dbSNP rs2525561660, ClinGen allele CA340727997.

ClinVar aggregate classification (germline): Uncertain significance (1 of 4 stars; one submission).

Submission:

Labcorp Genetics (formerly Invitae), Labcorp
Classification: Uncertain significance. Last evaluated: 2023-01-25. Review status: criteria provided, single submitter. Criteria: Invitae Variant Classification Sherloc (09022015). Collection method: clinical testing. Allele origin: germline.
Comment: This sequence change replaces arginine, which is basic and polar, with lysine, which is basic and polar, at codon 461 of the IL23R protein (p.Arg461Lys). This variant is not present in population databases (gnomAD no frequency). In summary, the available evidence is currently insufficient to determine the role of this variant in disease. Therefore, it has been classified as a Variant of Uncertain Significance. Algorithms developed to predict the effect of missense changes on protein structure and function output the following: SIFT: "Tolerated"; PolyPhen-2: "Possibly Damaging"; Align-GVGD: "Class C0". The lysine amino acid residue is found in multiple mammalian species, which suggests that this missense change does not adversely affect protein function. This variant has not been reported in the literature in individuals affected with IL23R-related conditions.